The following is an entry in ClinVar:

NM_004006.3(DMD):c.3536A>G (p.Glu1179Gly)

Gene: DMD (dystrophin; minus strand). Cytogenetic location: Xp21.1.
Variant type: single nucleotide variant.
Coding change: c.3536A>G on transcript NM_004006.3 (MANE Select); coding-DNA position 3536, A replaced by G.
Protein change: p.Glu1179Gly; replaces glutamic acid 1179 with glycine.
Molecular consequence: missense variant.
Genome position (GRCh38, 1-based): chrX:32,454,729, T>C on the plus strand (A>G on the coding strand, the complement: DMD is on the minus strand). VCF-style: chrX-32454729-T-C. GRCh37 (hg19) VCF-style: chrX-32472846-T-C.
Other names: c.3512A>G, p.Glu1171Gly (NM_000109.4); c.3524A>G, p.Glu1175Gly (NM_004009.3); c.3167A>G, p.Glu1056Gly (NM_004010.3); short protein forms E1179G, E1056G, E1175G, E1171G.
Identifiers: ClinVar variation 2725539 (VCV002725539.4), dbSNP rs2524367212, ClinGen allele CA412663103.

ClinVar aggregate classification (germline): Uncertain significance (1 of 4 stars; one submission).

Conditions:
Duchenne muscular dystrophy (DMD). Also called: MUSCULAR DYSTROPHY, PSEUDOHYPERTROPHIC PROGRESSIVE, DUCHENNE TYPE; Duchenne Muscular Dystrophy (DMD). Identifiers: Orphanet 98896, MedGen C0013264, MONDO:0010679, OMIM 310200.

Submissions (2):

Labcorp Genetics (formerly Invitae), Labcorp
Classification: Uncertain significance for Duchenne muscular dystrophy. Last evaluated: 2023-02-26. Review status: criteria provided, single submitter. Criteria: Invitae Variant Classification Sherloc (09022015). Collection method: clinical testing. Allele origin: germline.
Comment: This sequence change replaces glutamic acid, which is acidic and polar, with glycine, which is neutral and non-polar, at codon 1179 of the DMD protein (p.Glu1179Gly). This variant is not present in population databases (gnomAD no frequency). This variant has not been reported in the literature in individuals affected with DMD-related conditions. Advanced modeling of protein sequence and biophysical properties (such as structural, functional, and spatial information, amino acid conservation, physicochemical variation, residue mobility, and thermodynamic stability) performed at Invitae indicates that this missense variant is not expected to disrupt DMD protein function. In summary, the available evidence is currently insufficient to determine the role of this variant in disease. Therefore, it has been classified as a Variant of Uncertain Significance.

Dr. Peter K. Rogan Lab, Western University
No classification provided (evidence only). Condition: Nonpapillary renal cell carcinoma. Review status: no classification provided. Collection method: in vitro. Allele origin: not applicable. Functional consequence: retained intron. Not counted in ClinVar's aggregate classification.